The following is an entry in ClinVar:

NM_001036.6(RYR3):c.10672C>G (p.Leu3558Val)

Gene: RYR3 (ryanodine receptor 3; plus strand). Cytogenetic location: 15q14.
Variant type: single nucleotide variant.
Coding change: c.10672C>G on transcript NM_001036.6 (MANE Select); coding-DNA position 10672, C replaced by G.
Protein change: p.Leu3558Val; replaces leucine 3558 with valine.
Molecular consequence: missense variant.
Genome position (GRCh38, 1-based): chr15:33,818,650, C>G. VCF-style: chr15-33818650-C-G. GRCh37 (hg19) VCF-style: chr15-34110851-C-G.
Other names: c.10657C>G, p.Leu3553Val (NM_001243996.4); short protein forms L3558V, L3553V.
Identifiers: ClinVar variation 571320 (VCV000571320.8), dbSNP rs1567235731, ClinGen allele CA391585709.
Genomic context (GRCh38, chr15:33,818,650, plus strand): 5'-GTGGAAGAGGAGGAGGAGGAAGAGACAGAAAAACAACCTGACCCACTACATCAGATCATT[C>G]TCTATTTTAGCCGCAACGCTCTCACGGAGAGGAGGTCAGAACCACCAGCTCACCTGCTTC-3'
Protein context (NP_001027.3, residues 3548-3568): KQPDPLHQII[Leu3558Val]YFSRNALTER

ClinVar aggregate classification (germline): Uncertain significance (1 of 4 stars; one submission).

Conditions:
Epileptic encephalopathy. Identifiers: MedGen C0543888, HP:0200134.

gnomAD v4.1: 2 of 1,613,922 alleles (0.00012%); highest among the groups gnomAD compares: Admixed American, 0.0017%; no homozygotes.

Submission:

Labcorp Genetics (formerly Invitae), Labcorp
Classification: Uncertain significance for Epileptic encephalopathy. Last evaluated: 2022-08-23. Review status: criteria provided, single submitter. Criteria: Invitae Variant Classification Sherloc (09022015). Collection method: clinical testing. Allele origin: germline.
Comment: Algorithms developed to predict the effect of missense changes on protein structure and function are either unavailable or do not agree on the potential impact of this missense change (SIFT: "Deleterious"; PolyPhen-2: "Benign"; Align-GVGD: "Class C0"). In summary, the available evidence is currently insufficient to determine the role of this variant in disease. Therefore, it has been classified as a Variant of Uncertain Significance. ClinVar contains an entry for this variant (Variation ID: 571320). This variant has not been reported in the literature in individuals affected with RYR3-related conditions. This variant is not present in population databases (gnomAD no frequency). This sequence change replaces leucine, which is neutral and non-polar, with valine, which is neutral and non-polar, at codon 3558 of the RYR3 protein (p.Leu3558Val).